The following is an entry in ClinVar:

ClinVar aggregate classification (germline): Uncertain significance (1 of 4 stars; one submission).

Conditions:
Hypertrophic cardiomyopathy. Also called: HYPERTROPHIC MYOCARDIOPATHY. Identifiers: Orphanet 217569, MedGen C0007194, MeSH D002312, MONDO:0005045, HP:0001639.

Submission:

Labcorp Genetics (formerly Invitae), Labcorp
Classification: Uncertain significance for Hypertrophic cardiomyopathy. Last evaluated: 2021-07-22. Review status: criteria provided, single submitter. Criteria: Invitae Variant Classification Sherloc (09022015). Collection method: clinical testing. Allele origin: germline.
Comment: In summary, the available evidence is currently insufficient to determine the role of this variant in disease. Therefore, it has been classified as a Variant of Uncertain Significance. Algorithms developed to predict the effect of missense changes on protein structure and function (SIFT, PolyPhen-2, Align-GVGD) all suggest that this variant is likely to be disruptive. This variant has not been reported in the literature in individuals affected with MYH7-related conditions. This variant is not present in population databases (ExAC no frequency). This sequence change replaces glutamic acid with glutamine at codon 929 of the MYH7 protein (p.Glu929Gln). The glutamic acid residue is highly conserved and there is a small physicochemical difference between glutamic acid and glutamine.

NM_000257.4(MYH7):c.2785G>C (p.Glu929Gln)

Gene: MYH7 (myosin heavy chain 7; minus strand). Cytogenetic location: 14q11.2.
Variant type: single nucleotide variant.
Coding change: c.2785G>C on transcript NM_000257.4 (MANE Select); coding-DNA position 2785, G replaced by C.
Protein change: p.Glu929Gln; replaces glutamic acid 929 with glutamine.
Molecular consequence: missense variant.
Genome position (GRCh38, 1-based): chr14:23,424,044, C>G on the plus strand (G>C on the coding strand, the complement: MYH7 is on the minus strand). VCF-style: chr14-23424044-C-G. GRCh37 (hg19) VCF-style: chr14-23893253-C-G.
Other names: short protein forms E929Q.
Identifiers: ClinVar variation 1477169 (VCV001477169.8), dbSNP rs730880161, ClinGen allele CA389047066.
Genomic context (GRCh38, chr14:23,424,044, plus strand): 5'-CTGAGCACTCATCTTCCAGCTTGCGCTTCTTGGCAGTGAGCTCAGCATTCATCTCCTCCT[C>G]ATCCTCCAGCCTCTCGTTCATCTCCTTCACCTTGGCCTCCAGCTGAATCTTGTTTTTGAT-3'
Protein context (NP_000248.2, residues 919-939): VKEMNERLED[Glu929Gln]EEMNAELTAK